The following is an entry in ClinVar:

ClinVar aggregate classification (germline): Pathogenic. Review status: criteria provided, multiple submitters, no conflicts (2 of 4 stars). 2 submissions from 2 submitters: Pathogenic (2). Last evaluated 2026-08-23.

Conditions:
Congenital isolated adrenocorticotropic hormone deficiency. Also called: ACTH deficiency; Adrenocorticotropic hormone deficiency; ACTH DEFICIENCY, ISOLATED. Identifiers: Orphanet 199296, MedGen C0342388, MONDO:0008720, OMIM 201400, HP:0011748.

Allele frequency attached by ClinVar (database versions not stated): TOPMed 0.00002; gnomAD 0.00001.
gnomAD v4.1: 3 of 1,614,012 alleles (0.00019%); highest among the groups gnomAD compares: Admixed American, 0.005%; no homozygotes.

Submissions (2):

GeneDx
Classification: Pathogenic. Last evaluated: 2026-08-23. Review status: criteria provided, single submitter. Criteria: GeneDx Variant Classification Process June 2021. Collection method: clinical testing. Allele origin: germline.
Comment: Nonsense variant predicted to result in protein truncation or nonsense mediated decay in a gene for which loss of function is a known mechanism of disease; Has not been previously published as pathogenic or benign to our knowledge

Baylor Genetics
Classification: Pathogenic for Congenital isolated adrenocorticotropic hormone deficiency. Last evaluated: 2017-09-01. Review status: criteria provided, single submitter. Criteria: ACMG Guidelines, 2015. Collection method: clinical testing. Allele origin: germline. Inheritance: Autosomal recessive inheritance. Affected: yes.

Literature cited by the submitters: PubMed 25326635 (cited by Baylor Genetics).

NM_005149.3(TBX19):c.627C>G (p.Tyr209Ter)

Gene: TBX19 (T-box transcription factor 19; plus strand). Cytogenetic location: 1q24.2.
Variant type: single nucleotide variant.
Coding change: c.627C>G on transcript NM_005149.3 (MANE Select); coding-DNA position 627, C replaced by G.
Protein change: p.Tyr209Ter; replaces tyrosine 209 with a stop codon.
Molecular consequence: nonsense.
Genome position (GRCh38, 1-based): chr1:168,297,747, C>G. VCF-style: chr1-168297747-C-G. GRCh37 (hg19) VCF-style: chr1-168266985-C-G.
Other names: short protein forms Y209*.
Identifiers: ClinVar variation 561125 (VCV000561125.4), dbSNP rs140528998, ClinGen allele CA1230597.